The following is an entry in ClinVar:

ClinVar aggregate classification (germline): Conflicting classifications of pathogenicity. Review status: criteria provided, conflicting classifications (1 of 4 stars). 10 submissions from 8 submitters: Uncertain significance (2); Benign (1); Likely benign (7). Last evaluated 2026-01-05.

Conditions:
Hypertrophic cardiomyopathy 1 (CMH1). Also called: MYH7-Related Familial Hypertrophic Cardiomyopathy; Familial hypertrophic cardiomyopathy 1. Identifiers: MedGen C3495498, MONDO:0008647, OMIM 192600.
MYH7-related skeletal myopathy. Also called: Myopathy, distal, 1; MYOPATHY, DISTAL, EARLY-ONSET, AUTOSOMAL DOMINANT; MYOPATHY, LATE DISTAL HEREDITARY; Laing early-onset distal myopathy; Laing distal myopathy. Identifiers: Orphanet 59135, MedGen C4552004, MONDO:0008050, OMIM 160500.
Myosin storage myopathy (CMYO7A). Also called: MYOPATHY, HYALINE BODY, AUTOSOMAL DOMINANT; Scapuloperoneal myopathy, MYH7-related; SCAPULOPERONEAL MUSCULAR DYSTROPHY; SCAPULOPERONEAL SYNDROME, MYOPATHIC TYPE; MYH7-related late-onset scapuloperoneal muscular dystrophy; Congenital myopathy 7A, myosin storage, autosomal dominant. Identifiers: Orphanet 437572, Orphanet 636965, MedGen C1842160, MONDO:0008409, OMIM 608358.
Hypertrophic cardiomyopathy. Also called: HYPERTROPHIC MYOCARDIOPATHY. Identifiers: Orphanet 217569, MedGen C0007194, MeSH D002312, MONDO:0005045, HP:0001639.
Cardiovascular phenotype. Identifiers: MedGen CN230736.
Cardiomyopathy (CMYO). Also called: Cardiomyopathies. Identifiers: Orphanet 167848, MedGen C0878544, MONDO:0004994, HP:0001638. Inheritance: Various modes of inheritance.

Allele frequency attached by ClinVar (database versions not stated): gnomAD exomes 0.00004 and 0.00006; ExAC 0.00006; gnomAD 0.00006; TOPMed 0.00010; ESP Exome Variant Server 0.00015; 1000 Genomes Project 30x 0.00016; 1000 Genomes Project 0.00020.
gnomAD v4.1: 67 of 1,614,196 alleles (0.0042%); highest among the groups gnomAD compares: African/African-American, 0.029%; no homozygotes.

Submissions (10):

Labcorp Genetics (formerly Invitae), Labcorp
Classification: Likely benign for Hypertrophic cardiomyopathy. Last evaluated: 2026-01-05. Review status: criteria provided, single submitter. Criteria: Invitae Variant Classification Sherloc (09022015). Collection method: clinical testing. Allele origin: germline.

All of Us Research Program, National Institutes of Health
Classification: Likely benign for Cardiomyopathy. Last evaluated: 2023-12-01. Review status: criteria provided, single submitter. Criteria: ACMG Guidelines, 2015. Collection method: clinical testing. Allele origin: germline. Inheritance: Autosomal dominant inheritance. Observed: 4 variant alleles, 4 heterozygotes.
Comment: This study involves interpretation of variants in research participants for the purpose of population health screening. Participant phenotype was not available at the time of variant classification. Additional details can be found in publication PMID: 35346344, PMCID: PMC8962531

GeneDx
Classification: Likely benign. Last evaluated: 2020-11-11. Review status: criteria provided, single submitter. Criteria: GeneDx Variant Classification Process June 2021. Collection method: clinical testing. Allele origin: germline. Affected: yes.

Ambry Genetics
Classification: Likely benign for Cardiovascular phenotype. Last evaluated: 2020-08-31. Review status: criteria provided, single submitter. Criteria: Ambry Variant Classification Scheme 2023. Collection method: clinical testing. Allele origin: germline.

CHEO Genetics Diagnostic Laboratory, Children's Hospital of Eastern Ontario
Classification: Likely benign for Cardiomyopathy. Last evaluated: 2020-03-18. Review status: criteria provided, single submitter. Criteria: ACMG Guidelines, 2015. Collection method: clinical testing. Allele origin: germline.

Color Diagnostics, LLC DBA Color Health
Classification: Likely benign for Cardiomyopathy. Last evaluated: 2018-11-25. Review status: criteria provided, single submitter. Criteria: ACMG Guidelines, 2015. Collection method: clinical testing. Allele origin: germline.

Blueprint Genetics
Classification: Likely benign. Last evaluated: 2018-02-16. Review status: criteria provided, single submitter. Criteria: ACMG Guidelines, 2015. Collection method: clinical testing. Allele origin: germline.

Illumina Laboratory Services, Illumina
Classification: Uncertain significance for Hypertrophic cardiomyopathy 1. Last evaluated: 2018-01-12. Review status: criteria provided, single submitter. Criteria: ICSL Variant Classification Criteria 13 December 2019. Collection method: clinical testing. Allele origin: germline.

Illumina Laboratory Services, Illumina
Classification: Benign for MYH7-related skeletal myopathy. Last evaluated: 2018-01-12. Review status: criteria provided, single submitter. Criteria: ICSL Variant Classification Criteria 13 December 2019. Collection method: clinical testing. Allele origin: germline.
Comment: This variant was observed in the ICSL laboratory as part of a predisposition screen in an ostensibly healthy population. It had not been previously curated by ICSL or reported in the Human Gene Mutation Database (HGMD: prior to June 1st, 2018), and was therefore a candidate for classification through an automated scoring system. Utilizing variant allele frequency, disease prevalence and penetrance estimates, and inheritance mode, an automated score was calculated to assess if this variant is too frequent to cause the disease. Based on the score and internal cut-off values, a variant classified as benign is not then subjected to further curation. The score for this variant resulted in a classification of benign for this disease.

Illumina Laboratory Services, Illumina
Classification: Uncertain significance for Myosin storage myopathy. Last evaluated: 2018-01-12. Review status: criteria provided, single submitter. Criteria: ICSL Variant Classification Criteria 13 December 2019. Collection method: clinical testing. Allele origin: germline.

NM_000257.4(MYH7):c.1179C>T (p.Ala393=)

Gene: MYH7 (myosin heavy chain 7; minus strand). Cytogenetic location: 14q11.2.
Variant type: single nucleotide variant.
Coding change: c.1179C>T on transcript NM_000257.4 (MANE Select); coding-DNA position 1179, C replaced by T.
Protein change: p.Ala393=; no amino-acid change (alanine 393 retained).
Molecular consequence: synonymous variant.
Genome position (GRCh38, 1-based): chr14:23,429,307, G>A on the plus strand (C>T on the coding strand, the complement: MYH7 is on the minus strand). VCF-style: chr14-23429307-G-A. GRCh37 (hg19) VCF-style: chr14-23898516-G-A.
Other names: c.1179C>T (LRG_384t1).
Identifiers: ClinVar variation 312913 (VCV000312913.27), dbSNP rs143293426, ClinGen allele CA027786.